The following is an entry in ClinVar:

ClinVar aggregate classification (germline): Uncertain significance (1 of 4 stars; one submission).

Conditions:
Structural heart defects and renal anomalies syndrome (SHDRA). Identifiers: Orphanet 689822, MedGen C4479549, MONDO:0044321, OMIM 617478.

Submission:

Juno Genomics, Hangzhou Juno Genomics, Inc
Classification: Uncertain significance for Structural heart defects and renal anomalies syndrome. Review status: criteria provided, single submitter. Criteria: ACMG Guidelines, 2015. Collection method: clinical testing. Allele origin: germline.
Comment: Absent from controls (or at extremely low frequency if recessive) in Genome Aggregation Database.

NM_017799.4(TMEM260):c.1617G>T (p.Trp539Cys)

Gene: TMEM260 (transmembrane protein 260; plus strand). Cytogenetic location: 14q22.3.
Variant type: single nucleotide variant.
Coding change: c.1617G>T on transcript NM_017799.4 (MANE Select); coding-DNA position 1617, G replaced by T.
Protein change: p.Trp539Cys; replaces tryptophan 539 with cysteine.
Molecular consequence: missense variant.
Genome position (GRCh38, 1-based): chr14:56,633,064, G>T. VCF-style: chr14-56633064-G-T. GRCh37 (hg19) VCF-style: chr14-57099782-G-T.
Other names: short protein forms W539C.
Identifiers: ClinVar variation 5005327 (VCV005005327.2).